The following is an entry in ClinVar:

ClinVar aggregate classification (germline): Benign/Likely benign. Review status: criteria provided, multiple submitters, no conflicts (2 of 4 stars). 4 submissions from 3 submitters: Benign (3); Likely benign (1). Last evaluated 2026-01-16.

Conditions:
Fibromuscular dysplasia, multifocal. Identifiers: MedGen C5543412, MONDO:0859151, OMIM 619329.
Ehlers-Danlos syndrome, classic type, 1 (EDSCL1). Also called: Ehlers-Danlos Syndrome, Classic Type, COL5A1-Related; EDS I; Ehlers-Danlos syndrome, type 1; EHLERS-DANLOS SYNDROME, GRAVIS TYPE; EHLERS-DANLOS SYNDROME, SEVERE CLASSIC TYPE. Identifiers: MedGen C0268335, MONDO:0019567, OMIM 130000.

Allele frequency attached by ClinVar (database versions not stated): gnomAD 0.00025; TOPMed 0.00019; 1000 Genomes Project 0.00040; 1000 Genomes Project 30x 0.00047; ESP Exome Variant Server 0.00023.
gnomAD v4.1: 56 of 1,614,090 alleles (0.0035%); highest among the groups gnomAD compares: African/African-American, 0.06%; 1 homozygote.

Submissions (4):

Labcorp Genetics (formerly Invitae), Labcorp
Classification: Benign for Ehlers-Danlos syndrome, classic type, 1. Last evaluated: 2026-01-16. Review status: criteria provided, single submitter. Criteria: Invitae Variant Classification Sherloc (09022015). Collection method: clinical testing. Allele origin: germline.

Genome-Nilou Lab
Classification: Benign for Ehlers-Danlos syndrome, classic type, 1. Last evaluated: 2022-03-15. Review status: criteria provided, single submitter. Criteria: ACMG Guidelines, 2015. Collection method: clinical testing. Allele origin: germline. Affected: no.

Genome-Nilou Lab
Classification: Benign for Fibromuscular dysplasia, multifocal. Last evaluated: 2022-03-15. Review status: criteria provided, single submitter. Criteria: ACMG Guidelines, 2015. Collection method: clinical testing. Allele origin: germline. Affected: no.

GeneDx
Classification: Likely benign. Last evaluated: 2017-09-27. Review status: criteria provided, single submitter. Criteria: GeneDx Variant Classification (06012015). Collection method: clinical testing. Allele origin: germline. Affected: yes.
Comment: This variant is considered likely benign or benign based on one or more of the following criteria: it is a conservative change, it occurs at a poorly conserved position in the protein, it is predicted to be benign by multiple in silico algorithms, and/or has population frequency not consistent with disease.

NM_000093.5(COL5A1):c.5371-17G>A

Genes: COL5A1 (collagen type V alpha 1 chain; plus strand), LOC101448202 (uncharacterized LOC101448202; minus strand). Cytogenetic location: 9q34.3.
Variant type: single nucleotide variant.
Coding change: c.5371-17G>A on transcript NM_000093.5 (MANE Select); 17 bases into the intron before coding-DNA position 5371, G replaced by A.
Molecular consequence: intron variant.
Genome position (GRCh38, 1-based): chr9:134,842,140, G>A. VCF-style: chr9-134842140-G-A. GRCh37 (hg19) VCF-style: chr9-137733986-G-A.
Other names: c.5371-17G>A (NM_001278074.1).
Identifiers: ClinVar variation 512378 (VCV000512378.10), dbSNP rs376639668, ClinGen allele CA5320729.